The following is an entry in ClinVar:

ClinVar aggregate classification (germline): Uncertain significance. Review status: criteria provided, multiple submitters, no conflicts (2 of 4 stars). 4 submissions from 4 submitters: Uncertain significance (4). Last evaluated 2023-07-05.

Conditions:
Pyridoxine-dependent epilepsy (EPEO4). Also called: Pyridoxine-Dependent Epilepsy - ALDH7A1; EPILEPSY, EARLY-ONSET, 4, VITAMIN B6-DEPENDENT; PYRIDOXINE DEPENDENCY WITH SEIZURES; Pyridoxine-Dependent Seizures. Identifiers: Orphanet 3006, MedGen C1849508, MONDO:0009945, OMIM 266100. Disease mechanism: loss of function.
Inborn genetic diseases. Identifiers: MedGen C0950123, MeSH D030342.

Allele frequency attached by ClinVar (database versions not stated): ExAC 0.00001; TOPMed 0.00002; gnomAD 0.00001; gnomAD exomes below 0.00001 and 0.00002.
gnomAD v4.1: 6 of 1,613,192 alleles (0.00037%); highest among the groups gnomAD compares: African/African-American, 0.004%; no homozygotes.

Submissions (4):

Ambry Genetics
Classification: Uncertain significance for Inborn genetic diseases. Last evaluated: 2023-07-05. Review status: criteria provided, single submitter. Criteria: Ambry Variant Classification Scheme 2023. Collection method: clinical testing. Allele origin: germline.

Genome-Nilou Lab
Classification: Uncertain significance for Pyridoxine-dependent epilepsy. Last evaluated: 2023-04-11. Review status: criteria provided, single submitter. Criteria: ACMG Guidelines, 2015. Collection method: clinical testing. Allele origin: germline. Affected: no.

Labcorp Genetics (formerly Invitae), Labcorp
Classification: Uncertain significance for Pyridoxine-dependent epilepsy. Last evaluated: 2022-07-05. Review status: criteria provided, single submitter. Criteria: Invitae Variant Classification Sherloc (09022015). Collection method: clinical testing. Allele origin: germline.
Comment: This sequence change replaces isoleucine, which is neutral and non-polar, with valine, which is neutral and non-polar, at codon 303 of the ALDH7A1 protein (p.Ile303Val). This variant is present in population databases (rs765153843, gnomAD 0.01%). This variant has not been reported in the literature in individuals affected with ALDH7A1-related conditions. ClinVar contains an entry for this variant (Variation ID: 848131). Algorithms developed to predict the effect of missense changes on protein structure and function are either unavailable or do not agree on the potential impact of this missense change (SIFT: "Tolerated"; PolyPhen-2: "Possibly Damaging"; Align-GVGD: "Class C0"). In summary, the available evidence is currently insufficient to determine the role of this variant in disease. Therefore, it has been classified as a Variant of Uncertain Significance.

GeneDx
Classification: Uncertain significance. Last evaluated: 2019-08-02. Review status: criteria provided, single submitter. Criteria: GeneDx Variant Classification Process June 2021. Collection method: clinical testing. Allele origin: germline. Affected: yes.
Comment: Not observed at a significant frequency in large population cohorts (Lek et al., 2016); In silico analysis, which includes protein predictors and evolutionary conservation, supports that this variant does not alter protein structure/function; Has not been previously published as pathogenic or benign to our knowledge

NM_001182.5(ALDH7A1):c.907A>G (p.Ile303Val)

Gene: ALDH7A1 (aldehyde dehydrogenase 7 family member A1; minus strand). Cytogenetic location: 5q23.2.
Variant type: single nucleotide variant.
Coding change: c.907A>G on transcript NM_001182.5 (MANE Select); coding-DNA position 907, A replaced by G.
Protein change: p.Ile303Val; replaces isoleucine 303 with valine.
Molecular consequence: missense variant.
Genome position (GRCh38, 1-based): chr5:126,561,089, T>C on the plus strand (A>G on the coding strand, the complement: ALDH7A1 is on the minus strand). VCF-style: chr5-126561089-T-C. GRCh37 (hg19) VCF-style: chr5-125896781-T-C.
Other names: c.823A>G, p.Ile275Val (NM_001201377.2); c.907A>G, p.Ile303Val (NM_001202404.2); short protein forms I303V, I275V.
Identifiers: ClinVar variation 848131 (VCV000848131.8), dbSNP rs765153843, ClinGen allele CA3389606.
Genomic context (GRCh38, chr5:126,561,089, plus strand): 5'-TGGCGACTGTGGAAACTGAACAGAAAACAAACAAAAACAAAGAGGCAGCCTTACCAATAA[T>C]GGCATTGTTTCCTCCAAGTTCCAACAGACTTCTCCCTTAAAAGAAAAAAATTATATATAA-3'
Protein context (NP_001173.2, residues 293-313): SLLELGGNNA[Ile303Val]IAFEDADLSL